The following is an entry in ClinVar:

ClinVar aggregate classification (germline): Likely benign. Review status: criteria provided, single submitter (1 of 4 stars). 2 submissions from 2 submitters: Likely benign (1). 1 of the submissions does not count toward it. Last evaluated 2025-12-01.

Conditions:
Developmental and epileptic encephalopathy 94 (DEE94). Also called: Epileptic encephalopathy, childhood-onset; CHD2-Related Neurodevelopmental Disorders. Identifiers: Orphanet 1942, Orphanet 2382, MedGen C3809278, MONDO:0014150, OMIM 615369.

Allele frequency attached by ClinVar (database versions not stated): gnomAD exomes below 0.00001 and 0.00001; ExAC 0.00002; gnomAD 0.00009; TOPMed 0.00011.
gnomAD v4.1: 19 of 1,614,114 alleles (0.0012%); highest among the groups gnomAD compares: African/African-American, 0.023%; no homozygotes.

Submissions (2):

Labcorp Genetics (formerly Invitae), Labcorp
Classification: Likely benign for Developmental and epileptic encephalopathy 94. Last evaluated: 2025-12-01. Review status: criteria provided, single submitter. Criteria: Invitae Variant Classification Sherloc (09022015). Collection method: clinical testing. Allele origin: germline.

Diagnostics Centre, Carl Von Ossietzky University Oldenburg
Classification: Uncertain significance for Developmental and epileptic encephalopathy 94. Last evaluated: 2025-09-05. Review status: no assertion criteria provided. Collection method: clinical testing. Allele origin: germline. Affected: yes. Observed: 1 variant allele. Not counted in ClinVar's aggregate classification.
Comment: The variant CHD2:c.5389C>T p.(His1797Tyr) results from a cytosine-to-thymine substitution at nucleotide position c.5389 of CHD2 gene. The histidine residue at protein position 1797 is replaced by a tyrosine. The variant has not yet been described in ClinVar or in any publications known to us. The variant is classified as rare in the general population (MAF 1.1 * e-5 in gnomAD, v4.1.0). In summary, this variant is classified as a variant of uncertain significance.

NM_001271.4(CHD2):c.5389C>T (p.His1797Tyr)

Gene: CHD2 (chromodomain helicase DNA binding protein 2; plus strand). Cytogenetic location: 15q26.1.
Variant type: single nucleotide variant.
Coding change: c.5389C>T on transcript NM_001271.4 (MANE Select); coding-DNA position 5389, C replaced by T.
Protein change: p.His1797Tyr; replaces histidine 1797 with tyrosine.
Molecular consequence: missense variant.
Genome position (GRCh38, 1-based): chr15:93,024,607, C>T. VCF-style: chr15-93024607-C-T. GRCh37 (hg19) VCF-style: chr15-93567837-C-T.
Other names: short protein forms H1797Y.
Identifiers: ClinVar variation 650582 (VCV000650582.12), dbSNP rs754174173, ClinGen allele CA7748737.
Genomic context (GRCh38, chr15:93,024,607, plus strand): 5'-CTACCCCCATTGCACCCTGCAGTCTCAGATCCTCGCTCACCCCCTTCTCAGAAATCTCCT[C>T]ACGATTCCAAGTCACCCCTGGATCATAGGTCTCCTTTGGAGAGATCACTAGAACAGAAAA-3'
Protein context (NP_001262.3, residues 1787-1807): PRSPPSQKSP[His1797Tyr]DSKSPLDHRS